The following is an entry in ClinVar:

ClinVar aggregate classification (germline): Uncertain significance. Review status: criteria provided, multiple submitters, no conflicts (2 of 4 stars). 2 submissions from 2 submitters: Uncertain significance (2). Last evaluated 2025-03-20.

Conditions:
Immunodeficiency 51 (IMD51). Also called: CANDIDIASIS, FAMILIAL, 5. Identifiers: Orphanet 1334, MedGen C4310803, MONDO:0013500, OMIM 613953.

gnomAD v4.1: 6 of 1,606,970 alleles (0.00037%); highest among the groups gnomAD compares: Admixed American, 0.0067%; no homozygotes.

Submissions (2):

Ambry Genetics
Classification: Uncertain significance. Last evaluated: 2025-03-20. Review status: criteria provided, single submitter. Criteria: Ambry Variant Classification Scheme 2023. Collection method: clinical testing. Allele origin: germline.

Labcorp Genetics (formerly Invitae), Labcorp
Classification: Uncertain significance for Immunodeficiency 51. Last evaluated: 2022-02-20. Review status: criteria provided, single submitter. Criteria: Invitae Variant Classification Sherloc (09022015). Collection method: clinical testing. Allele origin: germline.
Comment: This sequence change replaces arginine, which is basic and polar, with histidine, which is basic and polar, at codon 449 of the IL17RA protein (p.Arg449His). This variant is present in population databases (no rsID available, gnomAD 0.009%). This variant has not been reported in the literature in individuals affected with IL17RA-related conditions. Algorithms developed to predict the effect of missense changes on protein structure and function (SIFT, PolyPhen-2, Align-GVGD) all suggest that this variant is likely to be disruptive. In summary, the available evidence is currently insufficient to determine the role of this variant in disease. Therefore, it has been classified as a Variant of Uncertain Significance.

NM_014339.7(IL17RA):c.1346G>A (p.Arg449His)

Gene: IL17RA (interleukin 17 receptor A; plus strand). Cytogenetic location: 22q11.1.
Variant type: single nucleotide variant.
Coding change: c.1346G>A on transcript NM_014339.7 (MANE Select); coding-DNA position 1346, G replaced by A.
Protein change: p.Arg449His; replaces arginine 449 with histidine.
Molecular consequence: missense variant.
Genome position (GRCh38, 1-based): chr22:17,108,565, G>A. VCF-style: chr22-17108565-G-A. GRCh37 (hg19) VCF-style: chr22-17589455-G-A.
Other names: c.1244G>A, p.Arg415His (NM_001289905.2); c.1346G>A (NM_014339.5); short protein forms R415H, R449H.
Identifiers: ClinVar variation 2174514 (VCV002174514.3), dbSNP rs1487564476, ClinGen allele CA410216617.